The following is an entry in ClinVar:

NM_014946.4(SPAST):c.508_509del (p.Gln170fs)

Gene: SPAST (spastin; plus strand). Cytogenetic location: 2p22.3.
Variant type: Deletion.
Coding change: c.508_509del on transcript NM_014946.4 (MANE Select); coding-DNA positions 508 to 509, 2 bases deleted (CA; older notation c.508_509delCA).
Protein change: p.Gln170fs; shifts the reading frame from glutamine 170.
Molecular consequence: frameshift variant.
Genome position (GRCh38, 1-based): chr2:32,089,527-32,089,528, CA deleted; deleting any 2 consecutive bases within chr2:32,089,526-32,089,528 gives the same sequence; the c. name uses the placement nearest the transcript's 3' end. VCF-style (leftmost placement, unchanged base first): chr2-32089525-AAC-A. GRCh37 (hg19) VCF-style: chr2-32314594-AAC-A.
Other names: c.505_506del, p.Gln169fs (NM_001363823.2, NM_001363875.2); c.508_509del, p.Gln170fs (NM_001377959.1, NM_199436.2); c.508_509delCA (NM_014946.4); short protein forms Q169fs, Q170fs.
Identifiers: ClinVar variation 4076122 (VCV004076122.1).

ClinVar aggregate classification (germline): Pathogenic (1 of 4 stars; one submission).

Conditions:
Hereditary spastic paraplegia 4. Also called: Spastic paraplegia 4, autosomal dominant; Familial spastic paraplegia autosomal dominant 2; Spastic Paraplegia 4. Identifiers: Orphanet 100985, MedGen C1866855, MONDO:0008438, OMIM 182601.

Submission:

Neurology Department, Peking University First Hospital
Classification: Pathogenic for Hereditary spastic paraplegia 4. Last evaluated: 2025-07-01. Review status: criteria provided, single submitter. Criteria: ACMG Guidelines, 2015. Collection method: clinical testing. Allele origin: germline. Inheritance: Sporadic. Affected: yes.
Comment: PVS1+PM2+PP3